The following is an entry in ClinVar:

NM_005902.4(SMAD3):c.1187T>C (p.Ile396Thr)

Gene: SMAD3 (SMAD family member 3; plus strand). Cytogenetic location: 15q22.33.
Variant type: single nucleotide variant.
Coding change: c.1187T>C on transcript NM_005902.4 (MANE Select); coding-DNA position 1187, T replaced by C.
Protein change: p.Ile396Thr; replaces isoleucine 396 with threonine.
Molecular consequence: missense variant.
Genome position (GRCh38, 1-based): chr15:67,190,445, T>C. VCF-style: chr15-67190445-T-C. GRCh37 (hg19) VCF-style: chr15-67482783-T-C.
Other names: c.872T>C, p.Ile291Thr (NM_001145102.2); c.1055T>C, p.Ile352Thr (NM_001145103.2); c.602T>C, p.Ile201Thr (NM_001145104.2); short protein forms I396T, I201T, I291T, I352T.
Identifiers: ClinVar variation 636420 (VCV000636420.7), dbSNP rs1595965957, ClinGen allele CA392958732.
Genomic context (GRCh38, chr15:67,190,445, plus strand): 5'-ACCCCACCCCTTTCCCTATTTCTTACAGGAGACAGACTGTGACCAGTACCCCCTGCTGGA[T>C]TGAGCTGCACCTGAATGGGCCTTTGCAGTGGCTTGACAAGGTCCTCACCCAGATGGGCTC-3'
Protein context (NP_005893.1, residues 386-406): RQTVTSTPCW[Ile396Thr]ELHLNGPLQW

ClinVar aggregate classification (germline): Conflicting classifications of pathogenicity. Review status: criteria provided, conflicting classifications (1 of 4 stars). 2 submissions from 2 submitters: Likely pathogenic (1); Uncertain significance (1). Last evaluated 2024-08-29.

Conditions:
SMAD3-related disorder. Also called: SMAD3-related condition.
Familial thoracic aortic aneurysm and aortic dissection (TAAD). Also called: Thoracic aortic aneurysms and dissections. Identifiers: Orphanet 91387, MedGen C4707243, MONDO:0019625.

Allele frequency attached by ClinVar (database versions not stated): gnomAD exomes below 0.00001.
gnomAD v4.1: 1 of 1,614,062 alleles (0.000062%); highest among the groups gnomAD compares: Non-Finnish European, 0.000085%; no homozygotes.

Submissions (2):

Labcorp Genetics (formerly Invitae), Labcorp
Classification: Uncertain significance for Familial thoracic aortic aneurysm and aortic dissection. Last evaluated: 2024-08-29. Review status: criteria provided, single submitter. Criteria: Invitae Variant Classification Sherloc (09022015). Collection method: clinical testing. Allele origin: germline.
Comment: This sequence change replaces isoleucine, which is neutral and non-polar, with threonine, which is neutral and polar, at codon 396 of the SMAD3 protein (p.Ile396Thr). This variant is not present in population databases (gnomAD no frequency). This variant has not been reported in the literature in individuals affected with SMAD3-related conditions. ClinVar contains an entry for this variant (Variation ID: 636420). Invitae Evidence Modeling of protein sequence and biophysical properties (such as structural, functional, and spatial information, amino acid conservation, physicochemical variation, residue mobility, and thermodynamic stability) indicates that this missense variant is expected to disrupt SMAD3 protein function with a positive predictive value of 80%. In summary, the available evidence is currently insufficient to determine the role of this variant in disease. Therefore, it has been classified as a Variant of Uncertain Significance.

Blueprint Genetics
Classification: Likely pathogenic for SMAD3-related disorders. Last evaluated: 2022-09-20. Review status: criteria provided, single submitter. Criteria: ACMG Guidelines, 2015. Collection method: clinical testing. Allele origin: germline. Affected: yes. Observed: 5 variant alleles.